The following is an entry in ClinVar:

ClinVar aggregate classification (germline): Benign/Likely benign. Review status: criteria provided, multiple submitters, no conflicts (2 of 4 stars). 7 submissions from 7 submitters: Benign (1); Likely benign (6). Last evaluated 2026-01-20.

Conditions:
Hereditary cancer-predisposing syndrome. Also called: Neoplastic Syndromes, Hereditary; Tumor predisposition; Hereditary Cancer Syndrome; Hereditary neoplastic syndrome. Identifiers: Orphanet 140162, MedGen C0027672, MeSH D009386, MONDO:0015356.
Lynch syndrome. Identifiers: Orphanet 144, MedGen C4552100, MONDO:0005835. Disease mechanism: loss of function.
Hereditary nonpolyposis colorectal neoplasms. Identifiers: MedGen C0009405, MeSH D003123.
Lynch syndrome 5 (LYNCH5). Also called: Colorectal cancer, hereditary nonpolyposis, type 5; Hereditary non-polyposis colorectal cancer, type 5. Identifiers: Orphanet 144, MedGen C1833477, MONDO:0013710, OMIM 614350. Disease mechanism: loss of function.

Allele frequency attached by ClinVar (database versions not stated): gnomAD exomes below 0.00001.
gnomAD v4.1: 2 of 1,614,096 alleles (0.00012%); highest among the groups gnomAD compares: Non-Finnish European, 0.00017%; no homozygotes.

Submissions (7):

Labcorp Genetics (formerly Invitae), Labcorp
Classification: Likely benign for Hereditary nonpolyposis colorectal neoplasms. Last evaluated: 2026-01-20. Review status: criteria provided, single submitter. Criteria: Invitae Variant Classification Sherloc (09022015). Collection method: clinical testing. Allele origin: germline.

Myriad Genetics, Inc.
Classification: Benign for Lynch syndrome 5. Last evaluated: 2024-12-31. Review status: criteria provided, single submitter. Criteria: Myriad Autosomal Dominant, Autosomal Recessive and X-Linked Classification Criteria (2023). Collection method: clinical testing. Allele origin: unknown.
Comment: This variant is considered benign. This variant is a silent/synonymous amino acid change and it is not expected to impact splicing.

All of Us Research Program, National Institutes of Health
Classification: Likely benign for Lynch syndrome. Last evaluated: 2023-08-15. Review status: criteria provided, single submitter. Criteria: ACMG Guidelines, 2015. Collection method: clinical testing. Allele origin: germline. Inheritance: Autosomal dominant inheritance. Observed: 1 variant allele, 1 heterozygote.
Comment: This study involves interpretation of variants in research participants for the purpose of population health screening. Participant phenotype was not available at the time of variant classification. Additional details can be found in publication PMID: 35346344, PMCID: PMC8962531

Sema4
Classification: Likely benign for Hereditary cancer-predisposing syndrome. Last evaluated: 2021-11-17. Review status: criteria provided, single submitter. Criteria: Sema4 Curation Guidelines. Collection method: curation. Allele origin: germline.

Color Diagnostics, LLC DBA Color Health
Classification: Likely benign for Hereditary cancer-predisposing syndrome. Last evaluated: 2017-09-17. Review status: criteria provided, single submitter. Criteria: ACMG Guidelines, 2015. Collection method: clinical testing. Allele origin: germline.

GeneDx
Classification: Likely benign. Last evaluated: 2016-08-24. Review status: criteria provided, single submitter. Criteria: GeneDx Variant Classification (06012015). Collection method: clinical testing. Allele origin: germline. Affected: yes.
Comment: This variant is considered likely benign or benign based on one or more of the following criteria: it is a conservative change, it occurs at a poorly conserved position in the protein, it is predicted to be benign by multiple in silico algorithms, and/or has population frequency not consistent with disease.

Ambry Genetics
Classification: Likely benign for Hereditary cancer-predisposing syndrome. Last evaluated: 2015-01-16. Review status: criteria provided, single submitter. Criteria: Ambry Variant Classification Scheme 2023. Collection method: clinical testing. Allele origin: germline.

NM_000179.3(MSH6):c.2370T>C (p.Asp790=)

Gene: MSH6 (mutS homolog 6; plus strand). Cytogenetic location: 2p16.3.
Variant type: single nucleotide variant.
Coding change: c.2370T>C on transcript NM_000179.3 (MANE Select); coding-DNA position 2370, T replaced by C.
Protein change: p.Asp790=; no amino-acid change (aspartic acid 790 retained).
Molecular consequence: synonymous variant.
Genome position (GRCh38, 1-based): chr2:47,800,353, T>C. VCF-style: chr2-47800353-T-C. GRCh37 (hg19) VCF-style: chr2-48027492-T-C.
Other names: c.1980T>C, p.Asp660= (NM_001281492.2); c.1464T>C, p.Asp488= (NM_001281493.2, NM_001281494.2).
Identifiers: ClinVar variation 231023 (VCV000231023.21), dbSNP rs876658909, ClinGen allele CA10578105.